The following is an entry in ClinVar:

ClinVar aggregate classification (germline): Uncertain significance (1 of 4 stars; one submission).

Conditions:
Combined immunodeficiency due to LRBA deficiency. Also called: Common variable immunodeficiency 8, with autoimmunity. Identifiers: Orphanet 445018, MedGen C3553512, MONDO:0013863, OMIM 614700.

Allele frequency attached by ClinVar (database versions not stated): gnomAD exomes 0.00001 and 0.00005; ExAC 0.00002; gnomAD 0.00004 and 0.00005; TOPMed 0.00006; ESP Exome Variant Server 0.00008.
gnomAD v4.1: 25 of 1,614,074 alleles (0.0015%); highest among the groups gnomAD compares: African/African-American, 0.02%; no homozygotes.

Submission:

Labcorp Genetics (formerly Invitae), Labcorp
Classification: Uncertain significance for Combined immunodeficiency due to LRBA deficiency. Last evaluated: 2021-08-24. Review status: criteria provided, single submitter. Criteria: Invitae Variant Classification Sherloc (09022015). Collection method: clinical testing. Allele origin: germline.
Comment: This sequence change replaces asparagine with serine at codon 62 of the LRBA protein (p.Asn62Ser). The asparagine residue is weakly conserved and there is a small physicochemical difference between asparagine and serine. This variant is present in population databases (rs143386737, ExAC 0.02%). This variant has not been reported in the literature in individuals affected with LRBA-related conditions. Algorithms developed to predict the effect of missense changes on protein structure and function (SIFT, PolyPhen-2, Align-GVGD) all suggest that this variant is likely to be tolerated. Algorithms developed to predict the effect of sequence changes on RNA splicing suggest that this variant may create or strengthen a splice site. In summary, the available evidence is currently insufficient to determine the role of this variant in disease. Therefore, it has been classified as a Variant of Uncertain Significance.

NM_001364905.1(LRBA):c.185A>G (p.Asn62Ser)

Gene: LRBA (LPS responsive beige-like anchor protein; minus strand). Cytogenetic location: 4q31.3.
Variant type: single nucleotide variant.
Coding change: c.185A>G on transcript NM_001364905.1 (MANE Select); coding-DNA position 185, A replaced by G.
Protein change: p.Asn62Ser; replaces asparagine 62 with serine.
Molecular consequence: missense variant.
Genome position (GRCh38, 1-based): chr4:151,014,458, T>C on the plus strand (A>G on the coding strand, the complement: LRBA is on the minus strand). VCF-style: chr4-151014458-T-C. GRCh37 (hg19) VCF-style: chr4-151935610-T-C.
Other names: c.185A>G, p.Asn62Ser (NM_001199282.3, NM_001367550.1, NM_006726.5); short protein forms N62S.
Identifiers: ClinVar variation 848990 (VCV000848990.7), dbSNP rs143386737, ClinGen allele CA3103950.